The following is an entry in ClinVar:

NM_002746.3(MAPK3):c.313G>T (p.Asp105Tyr)

Gene: MAPK3 (mitogen-activated protein kinase 3; minus strand). Cytogenetic location: 16p11.2.
Variant type: single nucleotide variant.
Coding change: c.313G>T on transcript NM_002746.3 (MANE Select); coding-DNA position 313, G replaced by T.
Protein change: p.Asp105Tyr; replaces aspartic acid 105 with tyrosine.
Molecular consequence: missense variant.
Genome position (GRCh38, 1-based): chr16:30,121,864, C>A on the plus strand (G>T on the coding strand, the complement: MAPK3 is on the minus strand). VCF-style: chr16-30121864-C-A. GRCh37 (hg19) VCF-style: chr16-30133185-C-A.
Other names: c.313G>T, p.Asp105Tyr (NM_001040056.3, NM_001109891.2); short protein forms D105Y.
Identifiers: ClinVar variation 4993196 (VCV004993196.1).

ClinVar aggregate classification (germline): Uncertain significance (1 of 4 stars; one submission).

Conditions:
MAPK3-related disorder. Also called: MAPK3-related condition.

Submission:

PreventionGenetics, part of Exact Sciences
Classification: Uncertain significance for MAPK3-related condition. Last evaluated: 2026-04-10. Review status: criteria provided, single submitter. Criteria: ACMG Guidelines, 2015. Collection method: clinical testing. Allele origin: germline.
Comment: The MAPK3 c.313G>T variant is predicted to result in the amino acid substitution p.Asp105Tyr. To our knowledge, this variant has not been reported in the literature or in a large population database (gnomAD), indicating this variant is rare. At this time, the clinical significance of this variant is uncertain due to the absence of conclusive functional and genetic evidence.